The following is an entry in ClinVar:

NM_004187.5(KDM5C):c.3362dup (p.Glu1122fs)

Gene: KDM5C (lysine demethylase 5C; minus strand). Cytogenetic location: Xp11.22.
Variant type: Duplication.
Coding change: c.3362dup on transcript NM_004187.5 (MANE Select); coding-DNA position 3362, one base duplicated (A; older notation c.3362dupA).
Protein change: p.Glu1122fs; shifts the reading frame from glutamic acid 1122.
Molecular consequence: frameshift variant. On other transcripts: non-coding transcript variant (3).
Genome position (GRCh38, 1-based): chrX:53,195,007, T duplicated on the plus strand (A on the coding strand, the reverse complement: KDM5C is on the minus strand); the first of 2 consecutive T bases (chrX:53,195,007-53,195,008); duplicating either gives the same sequence. VCF-style (leftmost placement, unchanged base first): chrX-53195006-C-CT. GRCh37 (hg19) VCF-style: chrX-53224188-C-CT.
Other names: c.3161dup, p.Glu1055fs (NM_001146702.2); c.3359dup, p.Glu1121fs (NM_001282622.3, NM_001353979.2, NM_001353982.2); c.3362dup, p.Glu1122fs (NM_001353978.3, NM_001353981.2, NM_001353984.2); short protein forms E1055fs, E1121fs, E1122fs.
Identifiers: ClinVar variation 2502557 (VCV002502557.2), dbSNP rs2519380736, ClinGen allele CA2580617052.
Genomic context (GRCh38, chrX:53,195,006, plus strand): 5'-CCTGAGGTCCTGCGCAGACAGCCCCAGCAGCTCTGTGTCAGATTTGTACAACCCCAGCTC[C>CT]TTCTCCATCCACCGGCTGCGCTTGGTGCTGTCTGAGCCGGCATCTGCACATGGGCAGAGA-3'

ClinVar aggregate classification (germline): Likely pathogenic (1 of 4 stars; one submission).

Submission:

GeneDx
Classification: Likely pathogenic. Last evaluated: 2024-04-02. Review status: criteria provided, single submitter. Criteria: GeneDx Variant Classification Process June 2021. Collection method: clinical testing. Allele origin: germline.
Comment: Frameshift variant predicted to result in protein truncation or nonsense mediated decay in a gene for which loss of function is a known mechanism of disease; Not observed at significant frequency in large population cohorts (gnomAD); Has not been previously published as pathogenic or benign to our knowledge